The following is an entry in ClinVar:

NM_078470.6(COX15):c.335C>T (p.Thr112Ile)

Gene: COX15 (cytochrome c oxidase assembly homolog COX15; minus strand). Cytogenetic location: 10q24.2.
Variant type: single nucleotide variant.
Coding change: c.335C>T on transcript NM_078470.6 (MANE Select); coding-DNA position 335, C replaced by T.
Protein change: p.Thr112Ile; replaces threonine 112 with isoleucine.
Molecular consequence: missense variant. On other transcripts: 5 prime UTR variant (1), non-coding transcript variant (1).
Genome position (GRCh38, 1-based): chr10:99,727,501, G>A on the plus strand (C>T on the coding strand, the complement: COX15 is on the minus strand). VCF-style: chr10-99727501-G-A. GRCh37 (hg19) VCF-style: chr10-101487258-G-A.
Other names: c.335C>T, p.Thr112Ile (NM_001320974.2, NM_001320975.2, NM_001372024.1 and 5 more transcripts); c.-120C>T (NM_001320976.2); short protein forms T112I.
Identifiers: ClinVar variation 1914007 (VCV001914007.2), dbSNP rs757776417, ClinGen allele CA5642296.

ClinVar aggregate classification (germline): Uncertain significance (1 of 4 stars; one submission).

Allele frequency attached by ClinVar (database versions not stated): ExAC 0.00002; gnomAD 0.00003; TOPMed 0.00006.
gnomAD v4.1: 7 of 1,613,682 alleles (0.00043%); highest among the groups gnomAD compares: African/African-American, 0.0093%; no homozygotes.

Submission:

Labcorp Genetics (formerly Invitae), Labcorp
Classification: Uncertain significance. Last evaluated: 2022-03-14. Review status: criteria provided, single submitter. Criteria: Invitae Variant Classification Sherloc (09022015). Collection method: clinical testing. Allele origin: germline.
Comment: This sequence change replaces threonine, which is neutral and polar, with isoleucine, which is neutral and non-polar, at codon 112 of the COX15 protein (p.Thr112Ile). This variant is present in population databases (rs757776417, gnomAD 0.02%). This variant has not been reported in the literature in individuals affected with COX15-related conditions. Algorithms developed to predict the effect of missense changes on protein structure and function are either unavailable or do not agree on the potential impact of this missense change (SIFT: "Not Available"; PolyPhen-2: "Benign"; Align-GVGD: "Not Available"). In summary, the available evidence is currently insufficient to determine the role of this variant in disease. Therefore, it has been classified as a Variant of Uncertain Significance.